The following is an entry in ClinVar:

ClinVar aggregate classification (germline): Conflicting classifications of pathogenicity. Review status: criteria provided, conflicting classifications (1 of 4 stars). 8 submissions from 7 submitters: Uncertain significance (6); Likely benign (2). Last evaluated 2025-12-08.

Conditions:
Lethal Kniest-like syndrome (DDSH). Also called: Dyssegmental Dysplasia. Identifiers: Orphanet 1865, MedGen C1857100, MONDO:0009140, OMIM 224410.
Schwartz-Jampel syndrome. Also called: Myotonic myopathy dwarfism chondrodystrophy and ocular and facial abnormalities. Identifiers: Orphanet 800, MedGen C0036391, MONDO:0009717.

Allele frequency attached by ClinVar (database versions not stated): ESP Exome Variant Server 0.00031; TOPMed 0.00036; gnomAD 0.00044 and 0.00045; ExAC 0.00066.
gnomAD v4.1: 576 of 1,595,776 alleles (0.036%); highest among the groups gnomAD compares: Non-Finnish European, 0.038%; 1 homozygote.

Submissions (8):

Labcorp Genetics (formerly Invitae), Labcorp
Classification: Uncertain significance. Last evaluated: 2025-12-08. Review status: criteria provided, single submitter. Criteria: Invitae Variant Classification Sherloc (09022015). Collection method: clinical testing. Allele origin: germline.
Comment: This sequence change replaces glycine, which is neutral and non-polar, with arginine, which is basic and polar, at codon 4345 of the HSPG2 protein (p.Gly4345Arg). This variant is present in population databases (rs148788926, gnomAD 0.2%), and has an allele count higher than expected for a pathogenic variant. This variant has not been reported in the literature in individuals affected with HSPG2-related conditions. ClinVar contains an entry for this variant (Variation ID: 447542). An algorithm developed to predict the effect of missense changes on protein structure and function outputs the following: PolyPhen-2: "Benign". The arginine amino acid residue is found in multiple mammalian species, which suggests that this missense change does not adversely affect protein function. In summary, the available evidence is currently insufficient to determine the role of this variant in disease. Therefore, it has been classified as a Variant of Uncertain Significance.

Blueprint Genetics
Classification: Likely benign. Last evaluated: 2024-11-13. Review status: criteria provided, single submitter. Criteria: ACMG Guidelines, 2015. Collection method: clinical testing. Allele origin: germline.

GeneDx
Classification: Uncertain significance. Last evaluated: 2024-05-08. Review status: criteria provided, single submitter. Criteria: GeneDx Variant Classification Process June 2021. Collection method: clinical testing. Allele origin: germline. Affected: yes.
Comment: In silico analysis supports that this missense variant does not alter protein structure/function; Has not been previously published as pathogenic or benign to our knowledge

Revvity Omics, Revvity
Classification: Uncertain significance. Last evaluated: 2019-11-18. Review status: criteria provided, single submitter. Criteria: ACMG Guidelines, 2015. Collection method: clinical testing. Allele origin: germline.

Athena Diagnostics
Classification: Likely benign. Last evaluated: 2018-07-02. Review status: criteria provided, single submitter. Criteria: Athena Diagnostics Criteria. Collection method: clinical testing. Allele origin: germline.

Illumina Laboratory Services, Illumina
Classification: Uncertain significance for Schwartz-Jampel syndrome type 1. Last evaluated: 2018-01-13. Review status: criteria provided, single submitter. Criteria: ICSL Variant Classification Criteria 13 December 2019. Collection method: clinical testing. Allele origin: germline.

Illumina Laboratory Services, Illumina
Classification: Uncertain significance for Lethal Kniest-like syndrome. Last evaluated: 2018-01-13. Review status: criteria provided, single submitter. Criteria: ICSL Variant Classification Criteria 13 December 2019. Collection method: clinical testing. Allele origin: germline.

Eurofins Ntd Llc (ga)
Classification: Uncertain significance. Last evaluated: 2017-07-26. Review status: criteria provided, single submitter. Criteria: EGL Classification Definitions 2015. Collection method: clinical testing. Allele origin: germline. Observed: 1 variant allele, 1 heterozygote.

NM_005529.7(HSPG2):c.13033G>A (p.Gly4345Arg)

Genes: HSPG2 (heparan sulfate proteoglycan 2; minus strand), LDLRAD2 (low density lipoprotein receptor class A domain containing 2; plus strand). Cytogenetic location: 1p36.12.
Variant type: single nucleotide variant.
Coding change: c.13033G>A on transcript NM_005529.7 (MANE Select); coding-DNA position 13033, G replaced by A.
Protein change: p.Gly4345Arg; replaces glycine 4345 with arginine.
Molecular consequence: missense variant. On other transcripts: 3 prime UTR variant (1).
Genome position (GRCh38, 1-based): chr1:21,823,459, C>T on the plus strand (G>A on the coding strand, the complement: HSPG2 is on the minus strand). VCF-style: chr1-21823459-C-T. GRCh37 (hg19) VCF-style: chr1-22149952-C-T.
Other names: c.13036G>A, p.Gly4346Arg (NM_001291860.2); c.*1244C>T (NM_001013693.3); short protein forms G4345R, G4346R.
Identifiers: ClinVar variation 447542 (VCV000447542.20), dbSNP rs148788926, ClinGen allele CA669145.